The following is an entry in ClinVar:

ClinVar aggregate classification (germline): Likely pathogenic. Review status: reviewed by expert panel (3 of 4 stars). 5 submissions from 5 submitters: Likely pathogenic (1). 4 of the submissions do not count toward it. Last evaluated 2025-10-07.

Conditions:
Cerebral creatine deficiency syndrome. Also called: Creatine deficiency syndromes. Identifiers: Orphanet 79172, MedGen C5244016, MONDO:0000456.
Deficiency of guanidinoacetate methyltransferase (CCDS2). Also called: Guanidinoacetate Methyltransferase (GAMT) Deficiency; CEREBRAL CREATINE DEFICIENCY SYNDROME 2; GAMT DEFICIENCY. Identifiers: Orphanet 382, MedGen C0574080, MONDO:0012999, OMIM 612736.

Submissions (5):

ClinGen Cerebral Creatine Deficiency Syndromes Variant Curation Expert Panel, ClinGen
Classification: Likely pathogenic for Deficiency of guanidinoacetate methyltransferase. Last evaluated: 2025-10-07. Review status: reviewed by expert panel. Criteria: ClinGen CCDS ACMG Specifications GAMT V2.0.0. Collection method: curation. Allele origin: germline. Inheritance: Autosomal recessive inheritance.
Comment: The NM_000156.6:c.148A>C variant in GAMT is predicted to result in the substitution of methionine by leucine at amino acid 50 (p.Met50Leu). One individual has been reported who was homozygous for the variant and had a low creatine peak on brain MRS, elevated urinary GAA, low creatine/creatinine ratio, with DNA sequence analysis of GAMT (PMID: 17101918, 24415674) (PM3_Supporting, PP4_Strong). The variant is absent in gnomAD v4.1.0. (PM2_Supporting). The computational predictor REVEL gives a score of 0.923 which is in the range of 0.773-0.932, evidence that correlates with impact to GAMT function at the moderate level (PMID: 36413997) (PP3_Moderate). This variant was shown to result in undetectable GAMT enzymatic activity when transfected into GAMT-deficient fibroblasts (PMID: 24415674) (PS3_Supporting). In summary, this variant meets criteria to be classified as likely pathogenic for guanidinoacetate methyltransferase (GAMT) deficiency. GAMT-specific ACMG/AMP criteria applied, as specified by the ClinGen Cerebral Creatine Deficiencies Variant Curation Expert Panel (CCDS VCEP) (Specifications Version 2.0.0): PP4_Strong, PP3_Moderate, PS3_Supporting, PM2_Supporting, PM3_Supporting. (Classification approved by the ClinGen CCDS VCEP on October 7, 2025)

Dubai Health Genomic Medicine Center, Dubai Health
Classification: Likely pathogenic for Cerebral creatine deficiency syndrome 2. Last evaluated: 2024-10-04. Review status: criteria provided, single submitter. Criteria: ACMG Guidelines, 2015. Collection method: research. Allele origin: germline. Affected: yes. Not counted in ClinVar's aggregate classification.
Comment: PS3,PM3(strong),PM2,PP3,PP4

Genomic Medicine Center of Excellence, King Faisal Specialist Hospital and Research Centre
Classification: Likely pathogenic for Deficiency of guanidinoacetate methyltransferase. Last evaluated: 2024-04-04. Review status: criteria provided, single submitter. Criteria: ACMG Guidelines, 2015. Collection method: clinical testing. Allele origin: germline. Not counted in ClinVar's aggregate classification.

Labcorp Genetics (formerly Invitae), Labcorp
Classification: Uncertain significance for Cerebral creatine deficiency syndrome. Last evaluated: 2021-08-29. Review status: criteria provided, single submitter. Criteria: Invitae Variant Classification Sherloc (09022015). Collection method: clinical testing. Allele origin: germline. Not counted in ClinVar's aggregate classification.
Comment: This sequence change replaces methionine with leucine at codon 50 of the GAMT protein (p.Met50Leu). The methionine residue is moderately conserved and there is a small physicochemical difference between methionine and leucine. This variant is not present in population databases (ExAC no frequency). This missense change has been observed in individual(s) with GAMT deficiency (PMID: 24415674). ClinVar contains an entry for this variant (Variation ID: 8305). Algorithms developed to predict the effect of missense changes on protein structure and function are either unavailable or do not agree on the potential impact of this missense change (SIFT: "Deleterious"; PolyPhen-2: "Benign"; Align-GVGD: "Class C0"). Experimental studies have shown that this missense change affects GAMT function (PMID: 24415674). In summary, the available evidence is currently insufficient to determine the role of this variant in disease. Therefore, it has been classified as a Variant of Uncertain Significance.

OMIM
Classification: Pathogenic for CEREBRAL CREATINE DEFICIENCY SYNDROME 2. Last evaluated: 2006-11-14. Review status: no assertion criteria provided. Collection method: literature only. Allele origin: germline. Not counted in ClinVar's aggregate classification.

Literature cited by the submitters: PubMed 24415674 (cited by ClinGen Cerebral Creatine Deficiency Syndromes Variant Curation Expert Panel, ClinGen and Labcorp Genetics (formerly Invitae), Labcorp); PubMed 17101918 (cited by OMIM).

NM_000156.6(GAMT):c.148A>C (p.Met50Leu)

Genes: GAMT (guanidinoacetate N-methyltransferase; minus strand), LOC130062945 (ATAC-STARR-seq lymphoblastoid silent region 9707; plus strand). Cytogenetic location: 19p13.3.
Variant type: single nucleotide variant.
Coding change: c.148A>C on transcript NM_000156.6 (MANE Select); coding-DNA position 148, A replaced by C.
Protein change: p.Met50Leu; replaces methionine 50 with leucine.
Molecular consequence: missense variant.
Genome position (GRCh38, 1-based): chr19:1,401,329, T>G on the plus strand (A>C on the coding strand, the complement: GAMT is on the minus strand). VCF-style: chr19-1401329-T-G. GRCh37 (hg19) VCF-style: chr19-1401328-T-G.
Other names: NM_000156.6(GAMT):c.148A>C; c.148A>C, p.Met50Leu (NM_138924.3); short protein forms M50L.
Identifiers: ClinVar variation 8305 (VCV000008305.11), dbSNP rs104894694, ClinGen allele CA254380.
Genomic context (GRCh38, chr19:1,401,329, plus strand): 5'-GGGCGGTGCAGGCCGGGCGGGGGCTACCTTTGGAGGAGGCGGCGGCGGCCAGCGCGTGCA[T>G]ATAGGGGGTCTCCCAGCGCTCCATCACCGGCTTGCCCAGGATGCGCAGGTGCGTGTCCGC-3'
Protein context (NP_000147.1, residues 40-60): PVMERWETPY[Met50Leu]HALAAAASSK